The following is an entry in ClinVar:

NM_001953.5(TYMP):c.1405G>A (p.Ala469Thr)

Genes: SCO2 (synthesis of cytochrome C oxidase 2; minus strand), TYMP (thymidine phosphorylase; minus strand), LOC130067862 (ATAC-STARR-seq lymphoblastoid silent region 13986; plus strand). Cytogenetic location: 22q13.33.
Variant type: single nucleotide variant.
Coding change: c.1405G>A on transcript NM_001953.5 (MANE Select); coding-DNA position 1405, G replaced by A.
Protein change: p.Ala469Thr; replaces alanine 469 with threonine.
Molecular consequence: missense variant. On other transcripts: intron variant (2).
Genome position (GRCh38, 1-based): chr22:50,525,814, C>T on the plus strand (G>A on the coding strand, the complement: TYMP is on the minus strand). VCF-style: chr22-50525814-C-T. GRCh37 (hg19) VCF-style: chr22-50964243-C-T.
Other names: c.1405G>A, p.Ala469Thr (NM_001113755.3, NM_001113756.3, NM_001257988.1); c.1420G>A, p.Ala474Thr (NM_001257989.1); c.-14+432G>A (NM_001169109.2); c.-14+187G>A (NM_001169110.1); short protein forms A474T, A469T.
Identifiers: ClinVar variation 3018155 (VCV003018155.3), dbSNP rs1394951112, ClinGen allele CA412196015.

ClinVar aggregate classification (germline): Uncertain significance (1 of 4 stars; one submission).

Allele frequency attached by ClinVar (database versions not stated): gnomAD 0.00001.

Submission:

Labcorp Genetics (formerly Invitae), Labcorp
Classification: Uncertain significance. Last evaluated: 2024-02-03. Review status: criteria provided, single submitter. Criteria: Invitae Variant Classification Sherloc (09022015). Collection method: clinical testing. Allele origin: germline.
Comment: This sequence change replaces alanine, which is neutral and non-polar, with threonine, which is neutral and polar, at codon 469 of the TYMP protein (p.Ala469Thr). This variant is not present in population databases (gnomAD no frequency). This variant has not been reported in the literature in individuals affected with TYMP-related conditions. Advanced modeling of protein sequence and biophysical properties (such as structural, functional, and spatial information, amino acid conservation, physicochemical variation, residue mobility, and thermodynamic stability) performed at Invitae indicates that this missense variant is not expected to disrupt TYMP protein function with a negative predictive value of 95%. In summary, the available evidence is currently insufficient to determine the role of this variant in disease. Therefore, it has been classified as a Variant of Uncertain Significance.